The following is an entry in ClinVar:

ClinVar aggregate classification (germline): Likely benign. Review status: criteria provided, multiple submitters, no conflicts (2 of 4 stars). 3 submissions from 3 submitters: Likely benign (3). Last evaluated 2026-01-04.

Conditions:
TTN-related disorder. Also called: TTN-related disorders; TTN-related condition; TTN-related disease.
Dilated cardiomyopathy 1G (CMD1G). Identifiers: Orphanet 154, MedGen C1858763, MONDO:0011400, OMIM 604145.
Autosomal recessive limb-girdle muscular dystrophy type 2J (LGMDR10). Also called: Limb-girdle muscular dystrophy, type 2J; MUSCULAR DYSTROPHY, LIMB-GIRDLE, AUTOSOMAL RECESSIVE 10. Identifiers: Orphanet 140922, MedGen C1837342, MONDO:0012127, OMIM 608807.
Cardiovascular phenotype. Identifiers: MedGen CN230736.

Allele frequency attached by ClinVar (database versions not stated): gnomAD exomes below 0.00001; gnomAD 0.00001; TOPMed 0.00002.
gnomAD v4.1: 5 of 1,612,284 alleles (0.00031%); highest among the groups gnomAD compares: African/African-American, 0.0053%; no homozygotes.

Submissions (3):

Labcorp Genetics (formerly Invitae), Labcorp
Classification: Likely benign for Dilated cardiomyopathy 1G; Autosomal recessive limb-girdle muscular dystrophy type 2J. Last evaluated: 2026-01-04. Review status: criteria provided, single submitter. Criteria: Invitae Variant Classification Sherloc (09022015). Collection method: clinical testing. Allele origin: germline.

PreventionGenetics, part of Exact Sciences
Classification: Likely benign for TTN-related condition. Last evaluated: 2025-10-14. Review status: criteria provided, single submitter. Criteria: ACMG Guidelines, 2015. Collection method: clinical testing. Allele origin: germline.
Comment: This variant is classified as likely benign based on ACMG/AMP sequence variant interpretation guidelines (Richards et al. 2015 PMID: 25741868, with internal and published modifications).

Ambry Genetics
Classification: Likely benign for Cardiovascular phenotype. Last evaluated: 2025-03-31. Review status: criteria provided, single submitter. Criteria: Ambry Variant Classification Scheme 2023. Collection method: clinical testing. Allele origin: germline.

NM_001267550.2(TTN):c.53757C>T (p.Thr17919=)

Genes: TTN (titin; minus strand), TTN-AS1 (TTN antisense RNA 1; plus strand). Cytogenetic location: 2q31.2.
Variant type: single nucleotide variant.
Coding change: c.53757C>T on transcript NM_001267550.2 (MANE Select); coding-DNA position 53757, C replaced by T.
Protein change: p.Thr17919=; no amino-acid change (threonine 17919 retained).
Molecular consequence: synonymous variant.
Genome position (GRCh38, 1-based): chr2:178,605,538, G>A on the plus strand (C>T on the coding strand, the complement: TTN is on the minus strand). VCF-style: chr2-178605538-G-A. GRCh37 (hg19) VCF-style: chr2-179470265-G-A.
Other names: c.48834C>T, p.Thr16278= (NM_001256850.1); c.26562C>T, p.Thr8854= (NM_003319.4); c.46053C>T, p.Thr15351= (NM_133378.4); c.26937C>T, p.Thr8979= (NM_133432.3); c.27138C>T, p.Thr9046= (NM_133437.4).
Identifiers: ClinVar variation 763548 (VCV000763548.12), dbSNP rs989282574, ClinGen allele CA60980787.